The following is an entry in ClinVar:

NM_001163435.3(TBCK):c.862A>G (p.Ser288Gly)

Gene: TBCK (TBC1 domain containing kinase; minus strand). Cytogenetic location: 4q24.
Variant type: single nucleotide variant.
Coding change: c.862A>G on transcript NM_001163435.3 (MANE Select); coding-DNA position 862, A replaced by G.
Protein change: p.Ser288Gly; replaces serine 288 with glycine.
Molecular consequence: missense variant.
Genome position (GRCh38, 1-based): chr4:106,247,208, T>C on the plus strand (A>G on the coding strand, the complement: TBCK is on the minus strand). VCF-style: chr4-106247208-T-C. GRCh37 (hg19) VCF-style: chr4-107168365-T-C.
Other names: c.862A>G, p.Ser288Gly (NM_001163436.4); c.745A>G, p.Ser249Gly (NM_001163437.3); c.346A>G, p.Ser116Gly (NM_001290768.2); c.673A>G, p.Ser225Gly (NM_033115.5); short protein forms S225G, S249G, S116G, S288G.
Identifiers: ClinVar variation 1461652 (VCV001461652.7), dbSNP rs543689231, ClinGen allele CA3035267.

ClinVar aggregate classification (germline): Uncertain significance. Review status: criteria provided, multiple submitters, no conflicts (2 of 4 stars). 2 submissions from 2 submitters: Uncertain significance (2). Last evaluated 2026-02-01.

Allele frequency attached by ClinVar (database versions not stated): gnomAD exomes 0.00003 and 0.00008; ExAC 0.00005; gnomAD 0.00005 and 0.00006; TOPMed 0.00016; 1000 Genomes Project 0.00020; 1000 Genomes Project 30x 0.00031.
gnomAD v4.1: 59 of 1,613,428 alleles (0.0037%); highest among the groups gnomAD compares: Middle Eastern, 0.033%; no homozygotes.

Submissions (2):

CeGaT Center for Human Genetics Tuebingen
Classification: Uncertain significance. Last evaluated: 2026-02-01. Review status: criteria provided, single submitter. Criteria: CeGaT Center For Human Genetics Tuebingen Variant Classification Criteria Version 2. Collection method: clinical testing. Allele origin: germline. Affected: yes. Observed: 1 variant allele.
Comment: TBCK: PM2, BP4

Labcorp Genetics (formerly Invitae), Labcorp
Classification: Uncertain significance. Last evaluated: 2022-11-01. Review status: criteria provided, single submitter. Criteria: Invitae Variant Classification Sherloc (09022015). Collection method: clinical testing. Allele origin: germline.
Comment: This sequence change replaces serine, which is neutral and polar, with glycine, which is neutral and non-polar, at codon 288 of the TBCK protein (p.Ser288Gly). This variant is present in population databases (rs543689231, gnomAD 0.03%). This variant has not been reported in the literature in individuals affected with TBCK-related conditions. ClinVar contains an entry for this variant (Variation ID: 1461652). Advanced modeling of protein sequence and biophysical properties (such as structural, functional, and spatial information, amino acid conservation, physicochemical variation, residue mobility, and thermodynamic stability) performed at Invitae indicates that this missense variant is not expected to disrupt TBCK protein function. In summary, the available evidence is currently insufficient to determine the role of this variant in disease. Therefore, it has been classified as a Variant of Uncertain Significance.